The following is an entry in ClinVar:

NM_001220.5(CAMK2B):c.1568C>G (p.Pro523Arg)

Gene: CAMK2B (calcium/calmodulin dependent protein kinase II beta; minus strand). Cytogenetic location: 7p13.
Variant type: single nucleotide variant.
Coding change: c.1568C>G on transcript NM_001220.5 (MANE Select); coding-DNA position 1568, C replaced by G.
Protein change: p.Pro523Arg; replaces proline 523 with arginine.
Molecular consequence: missense variant. On other transcripts: intron variant (8).
Genome position (GRCh38, 1-based): chr7:44,226,545, G>C on the plus strand (C>G on the coding strand, the complement: CAMK2B is on the minus strand). VCF-style: chr7-44226545-G-C. GRCh37 (hg19) VCF-style: chr7-44266144-G-C.
Other names: c.947-5644C>G (NM_172084.3); c.1150+4461C>G (NM_172080.3); c.1036+4461C>G (NM_172083.3); c.1108+4461C>G (NM_172081.3); c.1153+4461C>G (NM_172079.3, NM_172082.3); c.1225+4461C>G (NM_001293170.2, NM_172078.3); short protein forms P523R.
Identifiers: ClinVar variation 2673103 (VCV002673103.23), dbSNP rs371087765, ClinGen allele CA367371440.

ClinVar aggregate classification (germline): Uncertain significance (1 of 4 stars; one submission).

Submission:

CeGaT Center for Human Genetics Tuebingen
Classification: Uncertain significance. Last evaluated: 2023-11-01. Review status: criteria provided, single submitter. Criteria: CeGaT Center For Human Genetics Tuebingen Variant Classification Criteria Version 2. Collection method: clinical testing. Allele origin: germline. Affected: yes. Observed: 1 variant allele.
Comment: CAMK2B: PM2, BP4